The following is an entry in ClinVar:

ClinVar aggregate classification (germline): Uncertain significance (1 of 4 stars; one submission).

Allele frequency attached by ClinVar (database versions not stated): gnomAD exomes below 0.00001.
gnomAD v4.1: 2 of 1,614,140 alleles (0.00012%); highest among the groups gnomAD compares: Non-Finnish European, 0.00017%; no homozygotes.

Submission:

Labcorp Genetics (formerly Invitae), Labcorp
Classification: Uncertain significance. Last evaluated: 2022-10-17. Review status: criteria provided, single submitter. Criteria: Invitae Variant Classification Sherloc (09022015). Collection method: clinical testing. Allele origin: germline.
Comment: In summary, the available evidence is currently insufficient to determine the role of this variant in disease. Therefore, it has been classified as a Variant of Uncertain Significance. Advanced modeling of protein sequence and biophysical properties (such as structural, functional, and spatial information, amino acid conservation, physicochemical variation, residue mobility, and thermodynamic stability) performed at Invitae indicates that this missense variant is not expected to disrupt UNC45A protein function. ClinVar contains an entry for this variant (Variation ID: 1358670). This variant has not been reported in the literature in individuals affected with UNC45A-related conditions. This variant is not present in population databases (gnomAD no frequency). This sequence change replaces serine, which is neutral and polar, with arginine, which is basic and polar, at codon 514 of the UNC45A protein (p.Ser514Arg).

NM_018671.5(UNC45A):c.1542C>A (p.Ser514Arg)

Gene: UNC45A (unc-45 myosin chaperone A; plus strand). Cytogenetic location: 15q26.1.
Variant type: single nucleotide variant.
Coding change: c.1542C>A on transcript NM_018671.5 (MANE Select); coding-DNA position 1542, C replaced by A.
Protein change: p.Ser514Arg; replaces serine 514 with arginine.
Molecular consequence: missense variant.
Genome position (GRCh38, 1-based): chr15:90,947,837, C>A. VCF-style: chr15-90947837-C-A. GRCh37 (hg19) VCF-style: chr15-91491067-C-A.
Other names: c.1497C>A, p.Ser499Arg (NM_001039675.2, NM_001323621.2); c.1542C>A, p.Ser514Arg (NM_001323619.1); c.1107C>A, p.Ser369Arg (NM_001323620.2); short protein forms S499R, S369R, S514R.
Identifiers: ClinVar variation 1358670 (VCV001358670.8), dbSNP rs966881864, ClinGen allele CA274749195.